The following is an entry in ClinVar:

ClinVar aggregate classification (germline): Uncertain significance (1 of 4 stars; one submission).

Conditions:
COG6-congenital disorder of glycosylation. Also called: CONGENITAL DISORDER OF GLYCOSYLATION, TYPE IIl; CDG IIl; COG6-CGD; COG6-ongenital disorder of glycosylation. Identifiers: Orphanet 464443, MedGen C3553230, MONDO:0013810, OMIM 614576.

gnomAD v4.1: 1 of 1,598,564 alleles (0.000063%); highest among the groups gnomAD compares: Non-Finnish European, 0.000086%; no homozygotes.

Submission:

Baylor Genetics
Classification: Uncertain significance for COG6-congenital disorder of glycosylation. Last evaluated: 2019-07-17. Review status: criteria provided, single submitter. Criteria: ACMG Guidelines, 2015. Collection method: clinical testing. Allele origin: unknown. Affected: yes.
Comment: This variant was determined to be of uncertain significance according to ACMG Guidelines, 2015 [PMID:25741868].

NM_020751.3(COG6):c.784T>C (p.Tyr262His)

Gene: COG6 (component of oligomeric golgi complex 6; plus strand). Cytogenetic location: 13q14.11.
Variant type: single nucleotide variant.
Coding change: c.784T>C on transcript NM_020751.3 (MANE Select); coding-DNA position 784, T replaced by C.
Protein change: p.Tyr262His; replaces tyrosine 262 with histidine.
Molecular consequence: missense variant. On other transcripts: non-coding transcript variant (1).
Genome position (GRCh38, 1-based): chr13:39,682,260, T>C. VCF-style: chr13-39682260-T-C. GRCh37 (hg19) VCF-style: chr13-40256397-T-C.
Other names: c.784T>C, p.Tyr262His (NM_001145079.2); short protein forms Y262H.
Identifiers: ClinVar variation 1028178 (VCV001028178.1), dbSNP rs1876359351, ClinGen allele CA387910299.